The following is an entry in ClinVar:

NM_000399.5(EGR2):c.1352G>A (p.Gly451Asp)

Gene: EGR2 (early growth response 2; minus strand). Cytogenetic location: 10q21.3.
Variant type: single nucleotide variant.
Coding change: c.1352G>A on transcript NM_000399.5 (MANE Select); coding-DNA position 1352, G replaced by A.
Protein change: p.Gly451Asp; replaces glycine 451 with aspartic acid.
Molecular consequence: missense variant.
Genome position (GRCh38, 1-based): chr10:62,813,286, C>T on the plus strand (G>A on the coding strand, the complement: EGR2 is on the minus strand). VCF-style: chr10-62813286-C-T. GRCh37 (hg19) VCF-style: chr10-64573046-C-T.
Other names: c.1352G>A, p.Gly451Asp (NM_001136177.3, NM_001136178.2); c.1202G>A, p.Gly401Asp (NM_001136179.3, NM_001321037.2); short protein forms G451D, G401D.
Identifiers: ClinVar variation 570320 (VCV000570320.10), dbSNP rs138967272, ClinGen allele CA5517151.

ClinVar aggregate classification (germline): Conflicting classifications of pathogenicity. Review status: criteria provided, conflicting classifications (1 of 4 stars). 3 submissions from 3 submitters: Uncertain significance (2); Likely benign (1). Last evaluated 2025-10-17.

Conditions:
Charcot-Marie-Tooth disease, type I (CMT1). Also called: Charcot-Marie-Tooth disease type 1; Charcot-Marie-Tooth, Type 1. Identifiers: Orphanet 65753, MedGen C0751036, MONDO:0019011.
Charcot-Marie-Tooth disease. Also called: Charcot-Marie-Tooth Neuropathy; Charcot-Marie-Tooth Hereditary Neuropathy. Identifiers: Orphanet 166, MedGen C0007959, MONDO:0015626.

Allele frequency attached by ClinVar (database versions not stated): TOPMed 0.00002; ESP Exome Variant Server 0.00008.
gnomAD v4.1: 47 of 1,572,470 alleles (0.003%); highest among the groups gnomAD compares: Non-Finnish European, 0.0037%; no homozygotes.

Submissions (3):

Labcorp Genetics (formerly Invitae), Labcorp
Classification: Uncertain significance for Charcot-Marie-Tooth disease, type I. Last evaluated: 2025-10-17. Review status: criteria provided, single submitter. Criteria: Invitae Variant Classification Sherloc (09022015). Collection method: clinical testing. Allele origin: germline.
Comment: This sequence change replaces glycine, which is neutral and non-polar, with aspartic acid, which is acidic and polar, at codon 451 of the EGR2 protein (p.Gly451Asp). This variant is present in population databases (rs138967272, gnomAD 0.005%). This missense change has been observed in individual(s) with clinical features of Charcot-Marie-Tooth disease (PMID: 22765307, 34169998). ClinVar contains an entry for this variant (Variation ID: 570320). Invitae Evidence Modeling of protein sequence and biophysical properties (such as structural, functional, and spatial information, amino acid conservation, physicochemical variation, residue mobility, and thermodynamic stability) has been performed for this missense variant. However, the output from this modeling did not meet the statistical confidence thresholds required to predict the impact of this variant on EGR2 protein function. In summary, the available evidence is currently insufficient to determine the role of this variant in disease. Therefore, it has been classified as a Variant of Uncertain Significance.

GeneDx
Classification: Uncertain significance. Last evaluated: 2021-04-02. Review status: criteria provided, single submitter. Criteria: GeneDx Variant Classification Process June 2021. Collection method: clinical testing. Allele origin: germline. Affected: yes.
Comment: In silico analysis supports that this missense variant does not alter protein structure/function; Has not been previously published as pathogenic or benign to our knowledge; This variant is associated with the following publications: (PMID: 22765307)

Molecular Genetics Laboratory, London Health Sciences Centre
Classification: Likely benign for Charcot-Marie-Tooth disease. Review status: criteria provided, single submitter. Criteria: ACMG Guidelines, 2015. Collection method: clinical testing. Allele origin: germline. Affected: yes.

Literature cited by the submitters: PubMed 22765307 (cited by Labcorp Genetics (formerly Invitae), Labcorp); PubMed 34169998 (cited by Labcorp Genetics (formerly Invitae), Labcorp).